The following is an entry in ClinVar:

ClinVar aggregate classification (germline): Pathogenic. Review status: criteria provided, multiple submitters, no conflicts (2 of 4 stars). 2 submissions from 2 submitters: Pathogenic (2). Last evaluated 2024-09-17.

Conditions:
CTCF-related neurodevelopmental disorder. Also called: INTELLECTUAL DEVELOPMENTAL DISORDER, AUTOSOMAL DOMINANT 21; Intellectual disability-feeding difficulties-developmental delay-microcephaly syndrome. Identifiers: Orphanet 363611, MedGen C3809686, MONDO:0014213, OMIM 615502.

gnomAD v4.1: 1 of 1,614,212 alleles (0.000062%); no homozygotes.

Submissions (2):

GeneDx
Classification: Pathogenic. Last evaluated: 2024-09-17. Review status: criteria provided, single submitter. Criteria: GeneDx Variant Classification Process June 2021. Collection method: clinical testing. Allele origin: germline. Affected: yes.
Comment: In silico analysis supports that this missense variant has a deleterious effect on protein structure/function; Not observed at significant frequency in large population cohorts (gnomAD); This variant is associated with the following publications: (PMID: 36454652)

Victorian Clinical Genetics Services, Murdoch Childrens Research Institute
Classification: Pathogenic for CTCF-related neurodevelopmental disorder. Last evaluated: 2022-03-31. Review status: criteria provided, single submitter. Criteria: ACMG Guidelines, 2015. Collection method: clinical testing. Allele origin: germline. Inheritance: Autosomal dominant inheritance. Affected: yes.
Comment: Based on the classification scheme VCGS_Germline_v1.3.4, this variant is classified as Pathogenic. Following criteria are met: 0102 - Loss of function is a known mechanism of disease in this gene and is associated with intellectual disability 21 (MIM#615502). (I) 0107 - This gene is associated with autosomal dominant disease. (I) 0200 - Variant is predicted to result in a missense amino acid change from tyrosine to cysteine. (I) 0251 - This variant is heterozygous. (I) 0301 - Variant is absent from gnomAD (both v2 and v3). (SP) 0501 - Missense variant consistently predicted to be damaging by multiple in silico tools or highly conserved with a major amino acid change. (SP) 0604 - Variant is not located in an established domain, motif, hotspot or informative constraint region. (I) 0705 - No comparable missense variants have previous evidence for pathogenicity. (I) 0803 - This variant has limited previous evidence of pathogenicity in an unrelated individual and classified as pathogenic by a diagnostic laboratory in ClinVar. (SP) 0905 - No published segregation evidence has been identified for this variant. (I) 1007 - No published functional evidence has been identified for this variant. (SP) Legend: (SP) - Supporting pathogenic, (I) - Information, (SB) - Supporting benign

NM_006565.4(CTCF):c.677A>G (p.Tyr226Cys)

Gene: CTCF (CCCTC-binding factor; plus strand). Cytogenetic location: 16q22.1.
Variant type: single nucleotide variant.
Coding change: c.677A>G on transcript NM_006565.4 (MANE Select); coding-DNA position 677, A replaced by G.
Protein change: p.Tyr226Cys; replaces tyrosine 226 with cysteine.
Molecular consequence: missense variant. On other transcripts: intron variant (1).
Genome position (GRCh38, 1-based): chr16:67,611,509, A>G. VCF-style: chr16-67611509-A-G. GRCh37 (hg19) VCF-style: chr16-67645412-A-G.
Other names: c.677A>G, p.Tyr226Cys (NM_001363916.2); c.-32-5236A>G (NM_001191022.2); short protein forms Y226C.
Identifiers: ClinVar variation 1254810 (VCV001254810.4), dbSNP rs2142826609, ClinGen allele CA396307384.